The following is an entry in ClinVar:

NM_000391.4(TPP1):c.1674G>C (p.Lys558Asn)

Gene: TPP1 (tripeptidyl peptidase 1; minus strand). Cytogenetic location: 11p15.4.
Variant type: single nucleotide variant.
Coding change: c.1674G>C on transcript NM_000391.4 (MANE Select); coding-DNA position 1674, G replaced by C.
Protein change: p.Lys558Asn; replaces lysine 558 with asparagine.
Molecular consequence: missense variant.
Genome position (GRCh38, 1-based): chr11:6,614,564, C>G on the plus strand (G>C on the coding strand, the complement: TPP1 is on the minus strand). VCF-style: chr11-6614564-C-G. GRCh37 (hg19) VCF-style: chr11-6635795-C-G.
Other names: short protein forms K558N.
Identifiers: ClinVar variation 1401392 (VCV001401392.6), dbSNP rs2134590280, ClinGen allele CA379471952.
Genomic context (GRCh38, chr11:6,614,564, plus strand): 5'-CTTCAGGGCAGGGGACAAGCCATCTCTCCTGATAGGAAAGGGTCAGGGGTTGAGTAGAGT[C>G]TTCAGCAAAGCTGGGAAGTTGGGTGTTCCCCAGCCTGTTACAGGATCCCAGCCAGGACCA-3'
Protein context (NP_000382.3, residues 548-563): WGTPNFPALL[Lys558Asn]TLLNP

ClinVar aggregate classification (germline): Uncertain significance (1 of 4 stars; one submission).

Submission:

Labcorp Genetics (formerly Invitae), Labcorp
Classification: Uncertain significance. Last evaluated: 2022-08-16. Review status: criteria provided, single submitter. Criteria: Invitae Variant Classification Sherloc (09022015). Collection method: clinical testing. Allele origin: germline.
Comment: This variant has not been reported in the literature in individuals affected with TPP1-related conditions. This variant is not present in population databases (gnomAD no frequency). This sequence change replaces lysine, which is basic and polar, with asparagine, which is neutral and polar, at codon 558 of the TPP1 protein (p.Lys558Asn). In summary, the available evidence is currently insufficient to determine the role of this variant in disease. Therefore, it has been classified as a Variant of Uncertain Significance. Algorithms developed to predict the effect of sequence changes on RNA splicing suggest that this variant may disrupt the consensus splice site. Algorithms developed to predict the effect of missense changes on protein structure and function (SIFT, PolyPhen-2, Align-GVGD) all suggest that this variant is likely to be tolerated. ClinVar contains an entry for this variant (Variation ID: 1401392).